The following is an entry in ClinVar:

ClinVar aggregate classification (germline): Uncertain significance. Review status: criteria provided, multiple submitters, no conflicts (2 of 4 stars). 2 submissions from 2 submitters: Uncertain significance (2). Last evaluated 2026-01-21.

Conditions:
Cardiovascular phenotype. Identifiers: MedGen CN230736.

Allele frequency attached by ClinVar (database versions not stated): ExAC 0.00001; gnomAD exomes 0.00001; gnomAD 0.00003 and 0.00004; TOPMed 0.00003.
gnomAD v4.1: 17 of 1,614,066 alleles (0.0011%); highest among the groups gnomAD compares: African/African-American, 0.0027%; no homozygotes.

Submissions (2):

Labcorp Genetics (formerly Invitae), Labcorp
Classification: Uncertain significance. Last evaluated: 2026-01-21. Review status: criteria provided, single submitter. Criteria: Invitae Variant Classification Sherloc (09022015). Collection method: clinical testing. Allele origin: germline.
Comment: This sequence change replaces lysine, which is basic and polar, with arginine, which is basic and polar, at codon 1840 of the ALPK3 protein (p.Lys1840Arg). This variant is present in population databases (rs749212010, gnomAD 0.003%). This variant has not been reported in the literature in individuals affected with ALPK3-related conditions. ClinVar contains an entry for this variant (Variation ID: 1508861). Invitae Evidence Modeling of protein sequence and biophysical properties (such as structural, functional, and spatial information, amino acid conservation, physicochemical variation, residue mobility, and thermodynamic stability) indicates that this missense variant is expected to disrupt ALPK3 protein function with a positive predictive value of 80%. In summary, the available evidence is currently insufficient to determine the role of this variant in disease. Therefore, it has been classified as a Variant of Uncertain Significance.

Ambry Genetics
Classification: Uncertain significance for Cardiovascular phenotype. Last evaluated: 2025-12-04. Review status: criteria provided, single submitter. Criteria: Ambry Variant Classification Scheme 2023. Collection method: clinical testing. Allele origin: germline.
Comment: The p.K1840R variant (also known as c.5519A>G), located in coding exon 14 of the ALPK3 gene, results from an A to G substitution at nucleotide position 5519. The lysine at codon 1840 is replaced by arginine, an amino acid with highly similar properties. This amino acid position is highly conserved in available vertebrate species. In addition, this alteration is predicted to be tolerated by in silico analysis. Since supporting evidence is limited at this time, the clinical significance of this alteration remains unclear.

NM_020778.5(ALPK3):c.4913A>G (p.Lys1638Arg)

Gene: ALPK3 (alpha kinase 3; plus strand). Cytogenetic location: 15q25.3.
Variant type: single nucleotide variant.
Coding change: c.4913A>G on transcript NM_020778.5 (MANE Select); coding-DNA position 4913, A replaced by G.
Protein change: p.Lys1638Arg; replaces lysine 1638 with arginine.
Molecular consequence: missense variant.
Genome position (GRCh38, 1-based): chr15:84,868,251, A>G. VCF-style: chr15-84868251-A-G. GRCh37 (hg19) VCF-style: chr15-85411482-A-G.
Other names: short protein forms K1638R.
Identifiers: ClinVar variation 1508861 (VCV001508861.9), dbSNP rs749212010, ClinGen allele CA7710116.